The following is an entry in ClinVar:

ClinVar aggregate classification (germline): Pathogenic (1 of 4 stars; one submission).

Conditions:
RYR1-related disorder. Also called: RYR1-related condition; RYR1-related disorders. Identifiers: MedGen CN239331.

Submission:

Labcorp Genetics (formerly Invitae), Labcorp
Classification: Pathogenic for RYR1-related disorder. Last evaluated: 2017-08-15. Review status: criteria provided, single submitter. Criteria: Invitae Variant Classification Sherloc (09022015). Collection method: clinical testing. Allele origin: germline.
Comment: This variant has not been reported in the literature in individuals with RYR1-related disease. This sequence change creates a premature translational stop signal (p.Phe4860Tyr) in the RYR1 gene. It is expected to result in an absent or disrupted protein product. This variant is not present in population databases (ExAC no frequency). Loss-of-function variants in RYR1 are known to be pathogenic (PMID: 20583297, 23919265). For these reasons, this variant has been classified as Pathogenic.

Literature cited by the submitters: PubMed 20583297; PubMed 23919265.

NM_000540.3(RYR1):c.14579_14580delinsAA (p.Phe4860Ter)

Gene: RYR1 (ryanodine receptor 1; plus strand). Cytogenetic location: 19q13.2.
Variant type: Indel.
Coding change: c.14579_14580delinsAA on transcript NM_000540.3 (MANE Select); coding-DNA positions 14579 to 14580, TC replaced by AA.
Protein change: p.Phe4860Ter; replaces phenylalanine 4860 with a stop codon.
Molecular consequence: nonsense.
Genome position (GRCh38, 1-based): chr19:38,580,437-38,580,438, TC replaced by AA. VCF-style: chr19-38580437-TC-AA. GRCh37 (hg19) VCF-style: chr19-39071077-TC-AA.
Other names: c.14564_14565delinsAA, p.Phe4855Ter (NM_001042723.2); short protein forms F4855*, F4860*.
Identifiers: ClinVar variation 544384 (VCV000544384.5), dbSNP rs1555803960, ClinGen allele CA658799204.